The following is an entry in ClinVar:

ClinVar aggregate classification (germline): Conflicting classifications of pathogenicity. Review status: criteria provided, conflicting classifications (1 of 4 stars). 6 submissions from 6 submitters: Uncertain significance (5); Benign (1). Last evaluated 2026-09-01.

Conditions:
Hereditary nonpolyposis colorectal neoplasms. Identifiers: MedGen C0009405, MeSH D003123.
Hereditary cancer-predisposing syndrome. Also called: Hereditary Cancer Syndrome; Tumor predisposition; Hereditary neoplastic syndrome; Neoplastic Syndromes, Hereditary. Identifiers: Orphanet 140162, MedGen C0027672, MeSH D009386, MONDO:0015356.
Lynch syndrome. Identifiers: Orphanet 144, MedGen C4552100, MONDO:0005835. Disease mechanism: loss of function.

Allele frequency attached by ClinVar (database versions not stated): gnomAD exomes 0.00001 and below 0.00001; ExAC 0.00001.
gnomAD v4.1: 6 of 1,614,168 alleles (0.00037%); highest among the groups gnomAD compares: Admixed American, 0.0033%; no homozygotes.

Submissions (6):

GeneDx
Classification: Uncertain significance. Last evaluated: 2026-09-01. Review status: criteria provided, single submitter. Criteria: GeneDx Variant Classification Process June 2021. Collection method: clinical testing. Allele origin: germline.
Comment: Not observed at significant frequency in large population cohorts (gnomAD); In silico analysis supports that this missense variant has a deleterious effect on protein structure/function; Has not been previously published as pathogenic or benign to our knowledge; This variant is associated with the following publications: (PMID: 32686686, 17531815, 21120944)

Labcorp Genetics (formerly Invitae), Labcorp
Classification: Benign for Hereditary nonpolyposis colorectal neoplasms. Last evaluated: 2025-12-01. Review status: criteria provided, single submitter. Criteria: Invitae Variant Classification Sherloc (09022015). Collection method: clinical testing. Allele origin: germline.

Ambry Genetics
Classification: Uncertain significance for Hereditary cancer-predisposing syndrome. Last evaluated: 2025-08-30. Review status: criteria provided, single submitter. Criteria: Ambry Variant Classification Scheme 2023. Collection method: clinical testing. Allele origin: germline.
Comment: The p.Y1256S variant (also known as c.3767A>C), located in coding exon 8 of the MSH6 gene, results from an A to C substitution at nucleotide position 3767. The tyrosine at codon 1256 is replaced by serine, an amino acid with dissimilar properties. This amino acid position is well conserved in available vertebrate species. In addition, this alteration is predicted to be deleterious by in silico analysis. Since supporting evidence is limited at this time, the clinical significance of this alteration remains unclear.

All of Us Research Program, National Institutes of Health
Classification: Uncertain significance for Lynch syndrome. Last evaluated: 2023-10-06. Review status: criteria provided, single submitter. Criteria: ACMG Guidelines, 2015. Collection method: clinical testing. Allele origin: germline. Inheritance: Autosomal dominant inheritance. Observed: 1 variant allele, 1 heterozygote.
Comment: This missense variant replaces tyrosine with serine at codon 1256 of the MSH6 protein. Computational prediction tool is inconclusive regarding the impact of this variant on protein structure and function (internally defined REVEL score threshold 0.5 < inconclusive < 0.7, PMID: 27666373). Splice site prediction tools suggest that this variant may not impact RNA splicing. To our knowledge, functional studies have not been performed for this variant. This variant has not been reported in individuals affected with hereditary cancer in the literature. This variant has been identified in 2/251224 chromosomes in the general population by the Genome Aggregation Database (gnomAD). The available evidence is insufficient to determine the role of this variant in disease conclusively. Therefore, this variant is classified as a Variant of Uncertain Significance.

This study involves interpretation of variants in research participants for the purpose of population health screening. Participant phenotype was not available at the time of variant classification. Additional details can be found in publication PMID: 35346344, PMCID: PMC8962531

Color Diagnostics, LLC DBA Color Health
Classification: Uncertain significance for Hereditary cancer-predisposing syndrome. Last evaluated: 2023-09-14. Review status: criteria provided, single submitter. Criteria: ACMG Guidelines, 2015. Collection method: clinical testing. Allele origin: germline.
Comment: This missense variant replaces tyrosine with serine at codon 1256 of the MSH6 protein. Computational prediction tool is inconclusive regarding the impact of this variant on protein structure and function (internally defined REVEL score threshold 0.5 < inconclusive < 0.7, PMID: 27666373). To our knowledge, functional studies have not been reported for this variant. This variant has not been reported in individuals affected with MSH6-related disorders in the literature. This variant has been identified in 2/251224 chromosomes in the general population by the Genome Aggregation Database (gnomAD). The available evidence is insufficient to determine the role of this variant in disease conclusively. Therefore, this variant is classified as a Variant of Uncertain Significance.

Quest Diagnostics Nichols Institute San Juan Capistrano
Classification: Uncertain significance. Last evaluated: 2019-10-04. Review status: criteria provided, single submitter. Criteria: Quest Diagnostics criteria. Collection method: clinical testing. Allele origin: unknown.

NM_000179.3(MSH6):c.3767A>C (p.Tyr1256Ser)

Gene: MSH6 (mutS homolog 6; plus strand). Cytogenetic location: 2p16.3.
Variant type: single nucleotide variant.
Coding change: c.3767A>C on transcript NM_000179.3 (MANE Select); coding-DNA position 3767, A replaced by C.
Protein change: p.Tyr1256Ser; replaces tyrosine 1256 with serine.
Molecular consequence: missense variant.
Genome position (GRCh38, 1-based): chr2:47,806,324, A>C. VCF-style: chr2-47806324-A-C. GRCh37 (hg19) VCF-style: chr2-48033463-A-C.
Other names: c.3377A>C, p.Tyr1126Ser (NM_001281492.2); c.2861A>C, p.Tyr954Ser (NM_001281493.2, NM_001281494.2); short protein forms Y1256S, Y1126S, Y954S.
Identifiers: ClinVar variation 428336 (VCV000428336.23), dbSNP rs761643896, ClinGen allele CA071991.
Genomic context (GRCh38, chr2:47,806,324, plus strand): 5'-CTGAGACTATAAAATGTCGTACATTATTTTCAACTCACTACCATTCATTAGTAGAAGATT[A>C]TTCTCAAAATGTTGCTGTGCGCCTAGGACATATGGTATGTGCAAATTGTTTTTTTCCACA-3'
Protein context (NP_000170.1, residues 1246-1266): STHYHSLVED[Tyr1256Ser]SQNVAVRLGH